The following is an entry in ClinVar:

NM_001048174.2(MUTYH):c.152C>T (p.Ala51Val)

Gene: MUTYH (mutY DNA glycosylase; minus strand). Cytogenetic location: 1p34.1.
Variant type: single nucleotide variant.
Coding change: c.152C>T on transcript NM_001048174.2 (MANE Select); coding-DNA position 152, C replaced by T.
Protein change: p.Ala51Val; replaces alanine 51 with valine.
Molecular consequence: missense variant. On other transcripts: 5 prime UTR variant (1), non-coding transcript variant (5), intron variant (5).
Genome position (GRCh38, 1-based): chr1:45,333,525, G>A on the plus strand (C>T on the coding strand, the complement: MUTYH is on the minus strand). VCF-style: chr1-45333525-G-A. GRCh37 (hg19) VCF-style: chr1-45799197-G-A.
Other names: c.152C>T, p.Ala51Val (NM_001048171.2, NM_001048173.2, NM_001293195.2 and 6 more transcripts); c.155C>T, p.Ala52Val (NM_001048172.2, NM_001407071.1, NM_001407078.1 and 2 more transcripts); c.236C>T, p.Ala79Val (NM_001128425.2); c.197C>T, p.Ala66Val (NM_001293190.2); c.185C>T, p.Ala62Val (NM_001293191.2, NM_001407077.1); c.-120C>T (NM_001350650.2); c.227C>T, p.Ala76Val (NM_001407069.1, NM_012222.3); c.194C>T, p.Ala65Val (NM_001407073.1, NM_001407083.1, NM_001407085.1); and 4 more; short protein forms A52V, A58V, A79V, A62V, A65V, A23V, A51V, A66V.
Identifiers: ClinVar variation 3914934 (VCV003914934.2).

ClinVar aggregate classification (germline): Uncertain significance. Review status: criteria provided, multiple submitters, no conflicts (2 of 4 stars). 2 submissions from 2 submitters: Uncertain significance (2). Last evaluated 2025-05-15.

Conditions:
Hereditary cancer-predisposing syndrome. Also called: Hereditary Cancer Syndrome; Hereditary neoplastic syndrome; Neoplastic Syndromes, Hereditary; Tumor predisposition. Identifiers: Orphanet 140162, MedGen C0027672, MeSH D009386, MONDO:0015356.

Submissions (2):

Ambry Genetics
Classification: Uncertain significance for Hereditary cancer-predisposing syndrome. Last evaluated: 2025-05-15. Review status: criteria provided, single submitter. Criteria: Ambry Variant Classification Scheme 2023. Collection method: clinical testing. Allele origin: germline.
Comment: The p.A79V variant (also known as c.236C>T), located in coding exon 3 of the MUTYH gene, results from a C to T substitution at nucleotide position 236. The alanine at codon 79 is replaced by valine, an amino acid with similar properties. This amino acid position is conserved. In addition, this alteration is predicted to be tolerated by in silico analysis. Based on the available evidence, the clinical significance of this variant remains unclear.

Quest Diagnostics Nichols Institute San Juan Capistrano
Classification: Uncertain significance. Last evaluated: 2025-03-16. Review status: criteria provided, single submitter. Criteria: Quest Diagnostics criteria. Collection method: clinical testing. Allele origin: unknown.
Comment: The MUTYH c.236C>T (p.Ala79Val) variant has not been reported in individuals with MUTYH-related conditions in the published literature. It also has not been reported in large, multi-ethnic general populations (Genome Aggregation Database). Analysis of this variant using bioinformatics tools for the prediction of the effect of amino acid changes on protein structure and function yielded predictions that this variant is benign. Based on the available information, we are unable to determine the clinical significance of this variant.